The following is an entry in ClinVar:

ClinVar aggregate classification (germline): Likely benign (1 of 4 stars; one submission).

Allele frequency attached by ClinVar (database versions not stated): gnomAD 0.00001.
gnomAD v4.1: 7 of 1,533,734 alleles (0.00046%); highest among the groups gnomAD compares: South Asian, 0.0024%; no homozygotes.

Submission:

CeGaT Center for Human Genetics Tuebingen
Classification: Likely benign. Last evaluated: 2024-01-01. Review status: criteria provided, single submitter. Criteria: CeGaT Center For Human Genetics Tuebingen Variant Classification Criteria Version 2. Collection method: clinical testing. Allele origin: germline. Affected: yes. Observed: 1 variant allele.
Comment: APC2: BP4, BP7

NM_005883.3(APC2):c.2787C>T (p.Ser929=)

Gene: APC2 (APC regulator of Wnt signaling pathway 2; plus strand). Cytogenetic location: 19p13.3.
Variant type: single nucleotide variant.
Coding change: c.2787C>T on transcript NM_005883.3 (MANE Select); coding-DNA position 2787, C replaced by T.
Protein change: p.Ser929=; no amino-acid change (serine 929 retained).
Molecular consequence: synonymous variant.
Genome position (GRCh38, 1-based): chr19:1,466,088, C>T. VCF-style: chr19-1466088-C-T. GRCh37 (hg19) VCF-style: chr19-1466087-C-T.
Other names: c.2784C>T, p.Ser928= (NM_001351273.1).
Identifiers: ClinVar variation 3026544 (VCV003026544.22), dbSNP rs1229978146, ClinGen allele CA504896773.